The following is an entry in ClinVar:

ClinVar aggregate classification (germline): Conflicting classifications of pathogenicity. Review status: criteria provided, conflicting classifications (1 of 4 stars). 2 submissions from 2 submitters: Likely pathogenic (1); Uncertain significance (1). Last evaluated 2022-08-17.

Conditions:
CRB1-related maculopathy.
Retinitis pigmentosa 12 (RP12). Also called: RP WITH OR WITHOUT PRESERVED PARAARTERIOLE RETINAL PIGMENT EPITHELIUM; RETINITIS PIGMENTOSA WITH OR WITHOUT PARAARTERIOLAR PRESERVATION OF RETINAL PIGMENT EPITHELIUM; RP WITH OR WITHOUT PPRPE. Identifiers: Orphanet 791, MedGen C1838647, MONDO:0010818, OMIM 600105.
Leber congenital amaurosis 8 (LCA8). Identifiers: Orphanet 65, MedGen C3151202, MONDO:0013453, OMIM 613835.

Submissions (2):

Labcorp Genetics (formerly Invitae), Labcorp
Classification: Uncertain significance for Leber congenital amaurosis 8; Retinitis pigmentosa 12. Last evaluated: 2022-08-17. Review status: criteria provided, single submitter. Criteria: Invitae Variant Classification Sherloc (09022015). Collection method: clinical testing. Allele origin: germline.
Comment: This sequence change replaces aspartic acid, which is acidic and polar, with valine, which is neutral and non-polar, at codon 491 of the CRB1 protein (p.Asp491Val). This variant is not present in population databases (gnomAD no frequency). This missense change has been observed in individuals with CRB1-related conditions (PMID: 20683928, 33546218; Invitae). ClinVar contains an entry for this variant (Variation ID: 963360). Advanced modeling of protein sequence and biophysical properties (such as structural, functional, and spatial information, amino acid conservation, physicochemical variation, residue mobility, and thermodynamic stability) performed at Invitae indicates that this missense variant is not expected to disrupt CRB1 protein function. In summary, the available evidence is currently insufficient to determine the role of this variant in disease. Therefore, it has been classified as a Variant of Uncertain Significance.

Institute of Medical Molecular Genetics, University of Zurich
Classification: Likely pathogenic for CRB1-related maculopathy. Last evaluated: 2021-01-30. Review status: criteria provided, single submitter. Criteria: ACMG Guidelines, 2015. Collection method: clinical testing. Allele origin: unknown. Affected: yes.

Literature cited by the submitters: PubMed 20683928 (cited by Labcorp Genetics (formerly Invitae), Labcorp); PubMed 33546218 (cited by Labcorp Genetics (formerly Invitae), Labcorp).

NM_201253.3(CRB1):c.1472A>T (p.Asp491Val)

Gene: CRB1 (crumbs cell polarity complex component 1; plus strand). Cytogenetic location: 1q31.3.
Variant type: single nucleotide variant.
Coding change: c.1472A>T on transcript NM_201253.3 (MANE Select); coding-DNA position 1472, A replaced by T.
Protein change: p.Asp491Val; replaces aspartic acid 491 with valine.
Molecular consequence: missense variant. On other transcripts: non-coding transcript variant (2).
Genome position (GRCh38, 1-based): chr1:197,421,300, A>T. VCF-style: chr1-197421300-A-T. GRCh37 (hg19) VCF-style: chr1-197390430-A-T.
Other names: c.1136A>T, p.Asp379Val (NM_001193640.2); c.1265A>T, p.Asp422Val (NM_001257965.2); c.1472A>T, p.Asp491Val (NM_001257966.2); short protein forms D379V, D491V, D422V.
Identifiers: ClinVar variation 963360 (VCV000963360.8), dbSNP rs1664299898, ClinGen allele CA344031063.